The following is an entry in ClinVar:

ClinVar aggregate classification (germline): Uncertain significance. Review status: criteria provided, multiple submitters, no conflicts (2 of 4 stars). 2 submissions from 2 submitters: Uncertain significance (2). Last evaluated 2025-02-22.

Allele frequency attached by ClinVar (database versions not stated): gnomAD exomes 0.00001 and 0.00005; TOPMed 0.00003; ExAC 0.00005; gnomAD 0.00005.
gnomAD v4.1: 74 of 1,595,522 alleles (0.0046%); highest among the groups gnomAD compares: Non-Finnish European, 0.0061%; no homozygotes.

Submissions (2):

Labcorp Genetics (formerly Invitae), Labcorp
Classification: Uncertain significance. Last evaluated: 2025-02-22. Review status: criteria provided, single submitter. Criteria: Invitae Variant Classification Sherloc (09022015). Collection method: clinical testing. Allele origin: germline.
Comment: This sequence change replaces proline, which is neutral and non-polar, with leucine, which is neutral and non-polar, at codon 224 of the RCBTB1 protein (p.Pro224Leu). This variant is present in population databases (rs751852707, gnomAD 0.003%). This missense change has been observed in individual(s) with retinal dystrophy (PMID: 35057699). ClinVar contains an entry for this variant (Variation ID: 1008203). Invitae Evidence Modeling of protein sequence and biophysical properties (such as structural, functional, and spatial information, amino acid conservation, physicochemical variation, residue mobility, and thermodynamic stability) has been performed for this missense variant. However, the output from this modeling did not meet the statistical confidence thresholds required to predict the impact of this variant on RCBTB1 protein function. In summary, the available evidence is currently insufficient to determine the role of this variant in disease. Therefore, it has been classified as a Variant of Uncertain Significance.

Blueprint Genetics
Classification: Uncertain significance. Last evaluated: 2023-04-14. Review status: criteria provided, single submitter. Criteria: ACMG Guidelines, 2015. Collection method: clinical testing. Allele origin: germline.

Literature cited by the submitters: PubMed 35057699 (cited by Labcorp Genetics (formerly Invitae), Labcorp).

NM_018191.4(RCBTB1):c.671C>T (p.Pro224Leu)

Gene: RCBTB1 (RCC1 and BTB domain containing protein 1; minus strand). Cytogenetic location: 13q14.2.
Variant type: single nucleotide variant.
Coding change: c.671C>T on transcript NM_018191.4 (MANE Select); coding-DNA position 671, C replaced by T.
Protein change: p.Pro224Leu; replaces proline 224 with leucine.
Molecular consequence: missense variant. On other transcripts: non-coding transcript variant (2).
Genome position (GRCh38, 1-based): chr13:49,552,218, G>A on the plus strand (C>T on the coding strand, the complement: RCBTB1 is on the minus strand). VCF-style: chr13-49552218-G-A. GRCh37 (hg19) VCF-style: chr13-50126354-G-A.
Other names: c.671C>T, p.Pro224Leu (NM_001352500.2, NM_001352501.2, NM_001352502.2 and 3 more transcripts); c.92C>T, p.Pro31Leu (NM_001352506.2); short protein forms P224L, P31L.
Identifiers: ClinVar variation 1008203 (VCV001008203.6), dbSNP rs751852707, ClinGen allele CA6982812.